The following is an entry in ClinVar:

ClinVar aggregate classification (germline): Uncertain significance (1 of 4 stars; one submission).

Conditions:
Congenital myotonia, autosomal dominant form (THD). Also called: THOMSEN DISEASE; Myotonia congenita autosomal dominant. Identifiers: Orphanet 614, MedGen C2936781, MONDO:0008055, OMIM 160800.
Congenital myotonia, autosomal recessive form. Also called: BECKER DISEASE; Becker Generalized Myotonia; myotonia congenita, autosomal recessive. Identifiers: Orphanet 614, MedGen C0751360, MONDO:0009715, OMIM 255700.

gnomAD v4.1: 1 of 1,610,316 alleles (0.000062%); highest among the groups gnomAD compares: South Asian, 0.0011%; no homozygotes.

Submission:

Labcorp Genetics (formerly Invitae), Labcorp
Classification: Uncertain significance for Congenital myotonia, autosomal recessive form; Congenital myotonia, autosomal dominant form. Last evaluated: 2025-08-20. Review status: criteria provided, single submitter. Criteria: Invitae Variant Classification Sherloc (09022015). Collection method: clinical testing. Allele origin: germline.
Comment: This sequence change replaces glutamic acid, which is acidic and polar, with lysine, which is basic and polar, at codon 258 of the CLCN1 protein (p.Glu258Lys). This variant is not present in population databases (gnomAD no frequency). This variant has not been reported in the literature in individuals affected with CLCN1-related conditions. An algorithm developed to predict the effect of missense changes on protein structure and function (PolyPhen-2) suggests that this variant is likely to be disruptive. In summary, the available evidence is currently insufficient to determine the role of this variant in disease. Therefore, it has been classified as a Variant of Uncertain Significance.

NM_000083.3(CLCN1):c.772G>A (p.Glu258Lys)

Gene: CLCN1 (chloride voltage-gated channel 1; plus strand). Cytogenetic location: 7q34.
Variant type: single nucleotide variant.
Coding change: c.772G>A on transcript NM_000083.3 (MANE Select); coding-DNA position 772, G replaced by A.
Protein change: p.Glu258Lys; replaces glutamic acid 258 with lysine.
Molecular consequence: missense variant. On other transcripts: non-coding transcript variant (1).
Genome position (GRCh38, 1-based): chr7:143,323,384, G>A. VCF-style: chr7-143323384-G-A. GRCh37 (hg19) VCF-style: chr7-143020477-G-A.
Other names: short protein forms E258K.
Identifiers: ClinVar variation 4791675 (VCV004791675.1).
Genomic context (GRCh38, chr7:143,323,384, plus strand): 5'-ATTGCCAGCATCTGTGCTGCTGTCCTCAGCAAATTCATGTCTGTGTTCTGCGGGGTATAT[G>A]AGGTAAGGTTGAGACAGTGAAATGAGCTGGGGCCAGGTGGTAGAAGGAGTCCGGCTGTGT-3'
Protein context (NP_000074.3, residues 248-268): KFMSVFCGVY[Glu258Lys]QPYYYSDILT